The following is an entry in ClinVar:

ClinVar aggregate classification (germline): Uncertain significance. Review status: criteria provided, multiple submitters, no conflicts (2 of 4 stars). 2 submissions from 2 submitters: Uncertain significance (2). Last evaluated 2025-06-29.

Conditions:
Methylmalonic acidemia due to transcobalamin receptor defect (MATR). Also called: METHYLMALONIC ACIDEMIA, TCblR TYPE; METHYLMALONIC ACIDURIA, TRANSIENT, DUE TO TRANSCOBALAMIN RECEPTOR DEFECT. Identifiers: Orphanet 280183, MedGen C4749905, MONDO:0013341, OMIM 613646.

Allele frequency attached by ClinVar (database versions not stated): gnomAD exomes 0.00002; ExAC 0.00003; 1000 Genomes Project 0.00020; gnomAD 0.00012; 1000 Genomes Project 30x 0.00016; TOPMed 0.00019.
gnomAD v4.1: 58 of 1,613,908 alleles (0.0036%); highest among the groups gnomAD compares: Admixed American, 0.033%; no homozygotes.

Submissions (2):

Labcorp Genetics (formerly Invitae), Labcorp
Classification: Uncertain significance for Methylmalonic acidemia due to transcobalamin receptor defect. Last evaluated: 2025-06-29. Review status: criteria provided, single submitter. Criteria: Invitae Variant Classification Sherloc (09022015). Collection method: clinical testing. Allele origin: germline.
Comment: This sequence change replaces threonine, which is neutral and polar, with isoleucine, which is neutral and non-polar, at codon 169 of the CD320 protein (p.Thr169Ile). This variant is present in population databases (rs558056448, gnomAD 0.005%). This variant has not been reported in the literature in individuals affected with CD320-related conditions. ClinVar contains an entry for this variant (Variation ID: 2403798). An algorithm developed to predict the effect of missense changes on protein structure and function outputs the following: PolyPhen-2: "Benign". The isoleucine amino acid residue is found in multiple mammalian species, which suggests that this missense change does not adversely affect protein function. In summary, the available evidence is currently insufficient to determine the role of this variant in disease. Therefore, it has been classified as a Variant of Uncertain Significance.

Ambry Genetics
Classification: Uncertain significance. Last evaluated: 2024-11-26. Review status: criteria provided, single submitter. Criteria: Ambry Variant Classification Scheme 2023. Collection method: clinical testing. Allele origin: germline.

NM_016579.4(CD320):c.506C>T (p.Thr169Ile)

Gene: CD320 (CD320 molecule; minus strand). Cytogenetic location: 19p13.2.
Variant type: single nucleotide variant.
Coding change: c.506C>T on transcript NM_016579.4 (MANE Select); coding-DNA position 506, C replaced by T.
Protein change: p.Thr169Ile; replaces threonine 169 with isoleucine.
Molecular consequence: missense variant.
Genome position (GRCh38, 1-based): chr19:8,302,977, G>A on the plus strand (C>T on the coding strand, the complement: CD320 is on the minus strand). VCF-style: chr19-8302977-G-A. GRCh37 (hg19) VCF-style: chr19-8367861-G-A.
Other names: c.380C>T, p.Thr127Ile (NM_001165895.2); short protein forms T127I, T169I.
Identifiers: ClinVar variation 2403798 (VCV002403798.6), dbSNP rs558056448, ClinGen allele CA9154698.